The following is an entry in ClinVar:

NM_001297719.2(BMAL1):c.1691dup (p.Tyr564Ter)

Gene: BMAL1 (basic helix-loop-helix ARNT like 1; plus strand). Cytogenetic location: 11p15.3.
Variant type: Duplication.
Coding change: c.1691dup on transcript NM_001297719.2 (MANE Select); coding-DNA position 1691, one base duplicated (A; older notation c.1691dupA).
Protein change: p.Tyr564Ter; replaces tyrosine 564 with a stop codon.
Molecular consequence: nonsense. On other transcripts: non-coding transcript variant (7).
Genome position (GRCh38, 1-based): chr11:13,385,762, A duplicated. VCF-style (leftmost placement, unchanged base first): chr11-13385761-T-TA. GRCh37 (hg19) VCF-style: chr11-13407308-T-TA.
Other names: c.1688dup, p.Tyr563Ter (NM_001030272.3, NM_001178.6, NM_001351804.1 and 1 more transcripts); c.1559dup, p.Tyr520Ter (NM_001030273.3, NM_001351818.2); c.1691dup, p.Tyr564Ter (NM_001297722.2, NM_001351824.2); c.1562dup, p.Tyr521Ter (NM_001297724.2, NM_001351808.2, NM_001351816.2 and 3 more transcripts); c.1652dup, p.Tyr551Ter (NM_001351805.2); c.1649dup, p.Tyr550Ter (NM_001351806.2); c.1706dup, p.Tyr569Ter (NM_001351807.2, NM_001351814.2); c.1640dup, p.Tyr547Ter (NM_001351809.2, NM_001351812.2); and 5 more; short protein forms Y550*, Y564*, Y569*, Y446*, Y521*, Y520*, Y563*, Y568*.
Identifiers: ClinVar variation 5008812 (VCV005008812.1).

ClinVar aggregate classification (germline): Uncertain significance (1 of 4 stars; one submission).

Submission:

GeneDx
Classification: Uncertain significance. Last evaluated: 2026-02-13. Review status: criteria provided, single submitter. Criteria: GeneDx Variant Classification Process June 2021. Collection method: clinical testing. Allele origin: germline.
Comment: Not observed at significant frequency in large population cohorts (gnomAD); Has not been previously published as pathogenic or benign to our knowledge; Nonsense variant predicted to result in protein truncation as the last 63 amino acid(s) are lost with an unclear effect on protein function